The following is an entry in ClinVar:

NM_001282933.2(ZNF341):c.31G>A (p.Gly11Arg)

Genes: ZNF341 (zinc finger protein 341; plus strand), LOC130065694 (ATAC-STARR-seq lymphoblastoid silent region 12821; plus strand). Cytogenetic location: 20q11.22.
Variant type: single nucleotide variant.
Coding change: c.31G>A on transcript NM_001282933.2 (MANE Select); coding-DNA position 31, G replaced by A.
Protein change: p.Gly11Arg; replaces glycine 11 with arginine.
Molecular consequence: missense variant. On other transcripts: 5 prime UTR variant (1), non-coding transcript variant (1).
Genome position (GRCh38, 1-based): chr20:33,732,052, G>A. VCF-style: chr20-33732052-G-A. GRCh37 (hg19) VCF-style: chr20-32319858-G-A.
Other names: c.-43G>A (NM_001282935.2); c.31G>A, p.Gly11Arg (NM_032819.5); short protein forms G11R.
Identifiers: ClinVar variation 2414789 (VCV002414789.4), dbSNP rs1478366832, ClinGen allele CA408640328.

ClinVar aggregate classification (germline): Uncertain significance (1 of 4 stars; one submission).

Allele frequency attached by ClinVar (database versions not stated): gnomAD exomes below 0.00001; TOPMed below 0.00001; gnomAD 0.00001.
gnomAD v4.1: 6 of 1,294,092 alleles (0.00046%); highest among the groups gnomAD compares: South Asian, 0.0047%; no homozygotes.

Submission:

Labcorp Genetics (formerly Invitae), Labcorp
Classification: Uncertain significance. Last evaluated: 2022-08-22. Review status: criteria provided, single submitter. Criteria: Invitae Variant Classification Sherloc (09022015). Collection method: clinical testing. Allele origin: germline.
Comment: This sequence change replaces glycine, which is neutral and non-polar, with arginine, which is basic and polar, at codon 11 of the ZNF341 protein (p.Gly11Arg). This variant also falls at the last nucleotide of exon 1, which is part of the consensus splice site for this exon. This variant is present in population databases (no rsID available, gnomAD no frequency). This variant has not been reported in the literature in individuals affected with ZNF341-related conditions. Algorithms developed to predict the effect of missense changes on protein structure and function output the following: SIFT: "Deleterious"; PolyPhen-2: "Possibly Damaging"; Align-GVGD: "Class C15". The arginine amino acid residue is found in multiple mammalian species, which suggests that this missense change does not adversely affect protein function. Variants that disrupt the consensus splice site are a relatively common cause of aberrant splicing (PMID: 17576681, 9536098). Algorithms developed to predict the effect of sequence changes on RNA splicing suggest that this variant may disrupt the consensus splice site. In summary, the available evidence is currently insufficient to determine the role of this variant in disease. Therefore, it has been classified as a Variant of Uncertain Significance.

Literature cited by the submitters: PubMed 17576681; PubMed 9536098.